The following is an entry in ClinVar:

NM_004973.4(JARID2):c.929C>T (p.Thr310Ile)

Gene: JARID2 (jumonji and AT-rich interaction domain containing 2; plus strand). Cytogenetic location: 6p22.3.
Variant type: single nucleotide variant.
Coding change: c.929C>T on transcript NM_004973.4 (MANE Select); coding-DNA position 929, C replaced by T.
Protein change: p.Thr310Ile; replaces threonine 310 with isoleucine.
Molecular consequence: missense variant.
Genome position (GRCh38, 1-based): chr6:15,496,154, C>T. VCF-style: chr6-15496154-C-T. GRCh37 (hg19) VCF-style: chr6-15496385-C-T.
Other names: c.413C>T, p.Thr138Ile (NM_001267040.1); short protein forms T138I, T310I.
Identifiers: ClinVar variation 4881211 (VCV004881211.2).

ClinVar aggregate classification (germline): Uncertain significance (1 of 4 stars; one submission).

Conditions:
Developmental delay with variable intellectual disability and dysmorphic facies. Identifiers: MedGen C5774242, MONDO:0859306, OMIM 620098.

Submission:

Dasa
Classification: Uncertain significance for Developmental delay with variable intellectual disability and dysmorphic facies. Last evaluated: 2025-11-14. Review status: criteria provided, single submitter. Criteria: DASA Assertion Criteria. Collection method: clinical testing. Allele origin: germline.
Comment: NM_004973.4(JARID2):c.929C>T (p.Thr310Ile) is a missense variant that results in the substitution of threonine with isoleucine. This variant is absent from population databases. The currently available literature and clinical evidence are not sufficient to establish a definitive association between this variant and the reported condition. Therefore, this variant is classified as a variant of uncertain significance.